The following is an entry in ClinVar:

NM_014804.3(KIAA0753):c.888+2T>C

Gene: KIAA0753 (KIAA0753; minus strand). Cytogenetic location: 17p13.1.
Variant type: single nucleotide variant.
Coding change: c.888+2T>C on transcript NM_014804.3 (MANE Select); the canonical splice donor site of the intron after coding-DNA position 888, T replaced by C.
Molecular consequence: splice donor variant. On other transcripts: intron variant (1).
Genome position (GRCh38, 1-based): chr17:6,623,507, A>G on the plus strand (T>C on the coding strand, the complement: KIAA0753 is on the minus strand). VCF-style: chr17-6623507-A-G. GRCh37 (hg19) VCF-style: chr17-6526827-A-G.
Other names: c.-10+100T>C (NM_001351225.2).
Identifiers: ClinVar variation 2027958 (VCV002027958.4), dbSNP rs2544495371, ClinGen allele CA397413127.
Genomic context (GRCh38, chr17:6,623,507, plus strand): 5'-AACAAAACACTGGGAAATGTCATTTATAAGCAAGTATTGATCATAATTTAATTGCAGCAT[A>G]CCTTCTTAGTGTGTTTAATTTTATGTGGACTCAATTTATCCAATTCTTCCTGGATTTCTT-3'

ClinVar aggregate classification (germline): Likely pathogenic (1 of 4 stars; one submission).

Submission:

Labcorp Genetics (formerly Invitae), Labcorp
Classification: Likely pathogenic. Last evaluated: 2025-01-06. Review status: criteria provided, single submitter. Criteria: Invitae Variant Classification Sherloc (09022015). Collection method: clinical testing. Allele origin: germline.
Comment: This sequence change affects a donor splice site in intron 5 of the KIAA0753 gene. It is expected to disrupt RNA splicing. Variants that disrupt the donor or acceptor splice site typically lead to a loss of protein function (PMID: 16199547), and loss-of-function variants in KIAA0753 are known to be pathogenic (PMID: 29138412). This variant is not present in population databases (gnomAD no frequency). This variant has not been reported in the literature in individuals affected with KIAA0753-related conditions. ClinVar contains an entry for this variant (Variation ID: 2027958). Algorithms developed to predict the effect of sequence changes on RNA splicing suggest that this variant may disrupt the consensus splice site. In summary, the currently available evidence indicates that the variant is pathogenic, but additional data are needed to prove that conclusively. Therefore, this variant has been classified as Likely Pathogenic.

Literature cited by the submitters: PubMed 16199547; PubMed 29138412.